The following is an entry in ClinVar:

NM_000256.3(MYBPC3):c.3302del (p.Thr1101fs)

Gene: MYBPC3 (myosin binding protein C3; minus strand). Cytogenetic location: 11p11.2.
Variant type: Deletion.
Coding change: c.3302del on transcript NM_000256.3 (MANE Select); coding-DNA position 3302, one base deleted (C; older notation c.3302delC).
Protein change: p.Thr1101fs; shifts the reading frame from threonine 1101.
Molecular consequence: frameshift variant.
Genome position (GRCh38, 1-based): chr11:47,333,222, G deleted on the plus strand (C on the coding strand, the reverse complement: MYBPC3 is on the minus strand). VCF-style (leftmost placement, unchanged base first): chr11-47333221-TG-T. GRCh37 (hg19) VCF-style: chr11-47354772-TG-T.
Other names: short protein forms T1101fs.
Identifiers: ClinVar variation 1729999 (VCV001729999.4), dbSNP rs730880670, ClinGen allele CA013852.

ClinVar aggregate classification (germline): Pathogenic/Likely pathogenic. Review status: criteria provided, multiple submitters, no conflicts (2 of 4 stars). 3 submissions from 3 submitters: Pathogenic (2); Likely pathogenic (1). Last evaluated 2025-12-12.

Conditions:
Hypertrophic cardiomyopathy 4. Also called: Familial hypertrophic cardiomyopathy 4. Identifiers: MedGen C1861862, MONDO:0007268, OMIM 115197.
Cardiovascular phenotype. Identifiers: MedGen CN230736.
Hypertrophic cardiomyopathy. Also called: HYPERTROPHIC MYOCARDIOPATHY. Identifiers: Orphanet 217569, MedGen C0007194, MeSH D002312, MONDO:0005045, HP:0001639.

Allele frequency attached by ClinVar (database versions not stated): TOPMed below 0.00001.

Submissions (3):

Institute of Immunology and Genetics Kaiserslautern
Classification: Likely pathogenic for Hypertrophic cardiomyopathy 4. Last evaluated: 2025-12-12. Review status: criteria provided, single submitter. Criteria: ACMG Guidelines, 2015. Collection method: clinical testing. Allele origin: germline. Affected: yes.
Comment: ACMG Criteria: PVS1, PM2 ; Variant was found in heterozygous state.

Labcorp Genetics (formerly Invitae), Labcorp
Classification: Pathogenic for Hypertrophic cardiomyopathy. Last evaluated: 2025-09-16. Review status: criteria provided, single submitter. Criteria: Invitae Variant Classification Sherloc (09022015). Collection method: clinical testing. Allele origin: germline.
Comment: This sequence change creates a premature translational stop signal (p.Thr1101Lysfs*88) in the MYBPC3 gene. It is expected to result in an absent or disrupted protein product. Loss-of-function variants in MYBPC3 are known to be pathogenic (PMID: 19574547). This variant is not present in population databases (gnomAD no frequency). This variant has not been reported in the literature in individuals affected with MYBPC3-related conditions. ClinVar contains an entry for this variant (Variation ID: 1729999). For these reasons, this variant has been classified as Pathogenic.

Ambry Genetics
Classification: Pathogenic for Cardiovascular phenotype. Last evaluated: 2021-06-16. Review status: criteria provided, single submitter. Criteria: Ambry Variant Classification Scheme 2023. Collection method: clinical testing. Allele origin: germline.
Comment: The c.3302delC pathogenic mutation, located in coding exon 30 of the MYBPC3 gene, results from a deletion of one nucleotide at nucleotide position 3302, causing a translational frameshift with a predicted alternate stop codon (p.T1101Kfs*88). This alteration is expected to result in loss of function by premature protein truncation or nonsense-mediated mRNA decay. As such, this alteration is interpreted as a disease-causing mutation.

Literature cited by the submitters: PubMed 19574547 (cited by Labcorp Genetics (formerly Invitae), Labcorp).